The following is an entry in ClinVar:

NM_015087.5(SPART):c.*451G>A

Gene: SPART (spartin; minus strand). Cytogenetic location: 13q13.3.
Variant type: single nucleotide variant.
Coding change: c.*451G>A on transcript NM_015087.5 (MANE Select); 451 bases downstream of the stop codon, G replaced by A.
Molecular consequence: 3 prime UTR variant.
Genome position (GRCh38, 1-based): chr13:36,303,914, C>T on the plus strand (G>A on the coding strand, the complement: SPART is on the minus strand). VCF-style: chr13-36303914-C-T. GRCh37 (hg19) VCF-style: chr13-36878051-C-T.
Other names: c.*451G>A (NM_001142294.2, NM_001142295.2, NM_001142296.2).
Identifiers: ClinVar variation 311760 (VCV000311760.5), dbSNP rs1054149, ClinGen allele CA10634164.

ClinVar aggregate classification (germline): Likely benign (1 of 4 stars; one submission).

Conditions:
Troyer syndrome (SPG20). Identifiers: Orphanet 101000, MedGen C0393559, MONDO:0010156, OMIM 275900.

Allele frequency attached by ClinVar (database versions not stated): 1000 Genomes Project 30x 0.01655; gnomAD 0.01257 and 0.01337; TOPMed 0.01427; 1000 Genomes Project 0.01538.
gnomAD v4.1: 1,895 of 158,912 alleles (1.2%); highest among the groups gnomAD compares: African/African-American, 4.3%; 39 homozygotes.

Submission:

Illumina Laboratory Services, Illumina
Classification: Likely benign for Troyer syndrome. Last evaluated: 2018-01-13. Review status: criteria provided, single submitter. Criteria: ICSL Variant Classification Criteria 13 December 2019. Collection method: clinical testing. Allele origin: germline.
Comment: This variant was observed in the ICSL laboratory as part of a predisposition screen in an ostensibly healthy population. It had not been previously curated by ICSL or reported in the Human Gene Mutation Database (HGMD: prior to June 1st, 2018), and was therefore a candidate for classification through an automated scoring system. Utilizing variant allele frequency, disease prevalence and penetrance estimates, and inheritance mode, an automated score was calculated to assess if this variant is too frequent to cause the disease. Based on the score and internal cut-off values, a variant classified as likely benign is not then subjected to further curation. The score for this variant resulted in a classification of likely benign for this disease.